The following is an entry in ClinVar:

NM_000231.3(SGCG):c.507G>T (p.Gly169=)

Gene: SGCG (sarcoglycan gamma; plus strand). Cytogenetic location: 13q12.12.
Variant type: single nucleotide variant.
Coding change: c.507G>T on transcript NM_000231.3 (MANE Select); coding-DNA position 507, G replaced by T.
Protein change: p.Gly169=; no amino-acid change (glycine 169 retained).
Molecular consequence: synonymous variant.
Genome position (GRCh38, 1-based): chr13:23,295,416, G>T. VCF-style: chr13-23295416-G-T. GRCh37 (hg19) VCF-style: chr13-23869555-G-T.
Other names: c.561G>T, p.Gly187= (NM_001378244.1); c.507G>T, p.Gly169= (NM_001378245.1, NM_001378246.1).
Identifiers: ClinVar variation 282170 (VCV000282170.15), dbSNP rs199905729, ClinGen allele CA6909724.

ClinVar aggregate classification (germline): Conflicting classifications of pathogenicity. Review status: criteria provided, conflicting classifications (1 of 4 stars). 4 submissions from 4 submitters: Uncertain significance (1); Likely benign (2). 1 of the submissions does not count toward it. Last evaluated 2026-01-15.

Conditions:
Autosomal recessive limb-girdle muscular dystrophy type 2C (LGMDR5). Also called: MUSCULAR DYSTROPHY, DUCHENNE-LIKE; MUSCULAR DYSTROPHY, LIMB-GIRDLE, AUTOSOMAL RECESSIVE 5. Identifiers: Orphanet 353, MedGen C0410173, MONDO:0009677, OMIM 253700. Disease mechanism: Affects gamma-sarcoglycan and also disrupts the integrity of the entire sarcoglycan complex..

Allele frequency attached by ClinVar (database versions not stated): ExAC 0.00007; ESP Exome Variant Server 0.00031; TOPMed 0.00031.
gnomAD v4.1: 147 of 1,612,608 alleles (0.0091%); highest among the groups gnomAD compares: Non-Finnish European, 0.01%; no homozygotes.

Submissions (4):

Labcorp Genetics (formerly Invitae), Labcorp
Classification: Likely benign for Autosomal recessive limb-girdle muscular dystrophy type 2C. Last evaluated: 2026-01-15. Review status: criteria provided, single submitter. Criteria: Invitae Variant Classification Sherloc (09022015). Collection method: clinical testing. Allele origin: germline.

Eurofins Ntd Llc (ga)
Classification: Uncertain significance. Last evaluated: 2018-07-30. Review status: criteria provided, single submitter. Criteria: EGL ClinVar v180209 classification definitions. Collection method: clinical testing. Allele origin: germline. Observed: 2 variant alleles, 2 heterozygotes.

GeneDx
Classification: Likely benign. Last evaluated: 2016-12-14. Review status: criteria provided, single submitter. Criteria: GeneDx Variant Classification (06012015). Collection method: clinical testing. Allele origin: germline. Affected: yes.
Comment: This variant is considered likely benign or benign based on one or more of the following criteria: it is a conservative change, it occurs at a poorly conserved position in the protein, it is predicted to be benign by multiple in silico algorithms, and/or has population frequency not consistent with disease.

Natera, Inc.
Classification: Uncertain significance for Limb-girdle muscular dystrophy type 2C. Last evaluated: 2020-04-19. Review status: no assertion criteria provided. Collection method: clinical testing. Allele origin: germline. Not counted in ClinVar's aggregate classification.